The following is an entry in ClinVar:

ClinVar aggregate classification (germline): Uncertain significance (1 of 4 stars; one submission).

Conditions:
Inborn genetic diseases. Identifiers: MedGen C0950123, MeSH D030342.

Submission:

Ambry Genetics
Classification: Uncertain significance for Inborn genetic diseases. Last evaluated: 2023-09-28. Review status: criteria provided, single submitter. Criteria: Ambry Variant Classification Scheme 2023. Collection method: clinical testing. Allele origin: germline.
Comment: The p.N312T variant (also known as c.935A>C), located in coding exon 4 of the ATR gene, results from an A to C substitution at nucleotide position 935. The asparagine at codon 312 is replaced by threonine, an amino acid with similar properties. This amino acid position is conserved. In addition, this alteration is predicted to be tolerated by in silico analysis. Since supporting evidence is limited at this time, the clinical significance of this alteration remains unclear.

NM_001184.4(ATR):c.935A>C (p.Asn312Thr)

Gene: ATR (ATR checkpoint kinase; minus strand). Cytogenetic location: 3q23.
Variant type: single nucleotide variant.
Coding change: c.935A>C on transcript NM_001184.4 (MANE Select); coding-DNA position 935, A replaced by C.
Protein change: p.Asn312Thr; replaces asparagine 312 with threonine.
Molecular consequence: missense variant.
Genome position (GRCh38, 1-based): chr3:142,562,467, T>G on the plus strand (A>C on the coding strand, the complement: ATR is on the minus strand). VCF-style: chr3-142562467-T-G. GRCh37 (hg19) VCF-style: chr3-142281309-T-G.
Other names: c.935A>C, p.Asn312Thr (NM_001354579.2); short protein forms N312T.
Identifiers: ClinVar variation 3221312 (VCV003221312.1), dbSNP rs2473426338, ClinGen allele CA354824571.